The following is an entry in ClinVar:

ClinVar aggregate classification (germline): Pathogenic. Review status: reviewed by expert panel (3 of 4 stars). 11 submissions from 11 submitters: Pathogenic (1). 10 of the submissions do not count toward it. Last evaluated 2023-08-29.

Conditions:
Gastric cancer. Also called: Stomach cancer; Malignant tumor of stomach. Identifiers: MedGen C0024623, MeSH D013274, MONDO:0001056, OMIM 613659, HP:0012126.
CDH1-related diffuse gastric and lobular breast cancer syndrome. Also called: CDH1-related diffuse gastric and lobular breast cancer. Identifiers: MedGen CN311521, MONDO:0100488.
Hereditary cancer-predisposing syndrome. Also called: Neoplastic Syndromes, Hereditary; Hereditary neoplastic syndrome; Hereditary Cancer Syndrome; Tumor predisposition. Identifiers: Orphanet 140162, MedGen C0027672, MeSH D009386, MONDO:0015356.
Hereditary diffuse gastric adenocarcinoma (HDGC). Also called: DIFFUSE GASTRIC AND LOBULAR BREAST CANCER SYNDROME. Identifiers: Orphanet 26106, MedGen C1708349, MONDO:0007648, OMIM 137215.
Familial cancer of breast. Also called: hereditary breast carcinoma; BREAST CANCER, FAMILIAL; Hereditary breast cancer. Identifiers: Orphanet 227535, MedGen C0346153, MONDO:0016419, OMIM 114480. Disease mechanism: loss of function.

gnomAD v4.1: 1 of 1,613,820 alleles (0.000062%); highest among the groups gnomAD compares: Non-Finnish European, 0.000085%; no homozygotes.

Submissions (11):

Clingen Gastric Cancer Variant Curation Expert Panel
Classification: Pathogenic for CDH1-related diffuse gastric and lobular breast cancer syndrome. Last evaluated: 2023-08-29. Review status: reviewed by expert panel. Criteria: ClinGen CDH1 ACMG Specifications V3.1. Collection method: curation. Allele origin: germline. Inheritance: Autosomal dominant inheritance.
Comment: The c.1679C>G (p.Thr560Arg) variant is absent in the gnomAD cohort (PM2_Supporting). There are at least 3 in silico predictors in agreement that this variant affects splicing (PP3). There is also an RNA assay demonstrating abnormal out-of-frame transcript (PS3; PMID: 27880784). Additionally, the variant was found to co-segregation with disease in multiple affected family members, with >7 meioses observed across at least 4 families (PP1_Strong; PMID: 27880784, 29769627). This variant has been reported in at least 4 families meeting HDGC clinical criteria (PS4; PMID: 27880784, 29769627, 23709761 and SCV000580704.2). In summary, this variant meets criteria to be classified as pathogenic based on the ACMG/AMP criteria applied as specified by the CDH1 Variant Curation Expert Panel (Variant Interpretation Guidelines Version 3.1): PM2_Supporting, PP3, PS3, PP1_Strong, PS4.

Labcorp Genetics (formerly Invitae), Labcorp
Classification: Pathogenic for Hereditary diffuse gastric adenocarcinoma. Last evaluated: 2024-07-09. Review status: criteria provided, single submitter. Criteria: Invitae Variant Classification Sherloc (09022015). Collection method: clinical testing. Allele origin: germline. Not counted in ClinVar's aggregate classification.
Comment: This sequence change replaces threonine, which is neutral and polar, with arginine, which is basic and polar, at codon 560 of the CDH1 protein (p.Thr560Arg). RNA analysis indicates that this missense change induces altered splicing and may result in an absent or altered protein product. This variant is not present in population databases (gnomAD no frequency). This missense change has been observed in individuals with diffuse gastric cancer (PMID: 23709761, 27880784, 29769627, 30745422). It has also been observed to segregate with disease in related individuals. ClinVar contains an entry for this variant (Variation ID: 234554). An algorithm developed to predict the effect of missense changes on protein structure and function (PolyPhen-2) suggests that this variant is likely to be disruptive. Studies have shown that this missense change results in activation of a cryptic donor splice site and introduces a premature termination codon (PMID: 27880784, 29769627). The resulting mRNA is expected to undergo nonsense-mediated decay. For these reasons, this variant has been classified as Pathogenic.

Ambry Genetics
Classification: Pathogenic for Hereditary cancer-predisposing syndrome. Last evaluated: 2024-05-31. Review status: criteria provided, single submitter. Criteria: Ambry Variant Classification Scheme 2023. Collection method: clinical testing. Allele origin: germline. Not counted in ClinVar's aggregate classification.
Comment: The c.1679C>G variant (also known as p.T560R), located in coding exon 11 of the CDH1 gene, results from a C to G substitution at nucleotide position 1679. The threonine at codon 560 is replaced by arginine, an amino acid with similar properties. This nucleotide position is not well conserved in available vertebrate species. Multiple studies have described this alteration in families meeting diagnostic criteria for Hereditary Diffuse Gastric Cancer syndrome. In addition, this alteration has been observed to segregate with disease in at least 4 families (Benusiglio PR et al. J. Med. Genet. 2013 Jul;50:486-9; Yelskaya Z et al. PLoS ONE 2016 Nov;11(11):e0165654; Pena-Couso L et al. Eur. J. Hum. Genet. 2018 09;26(9):1348-1353). In silico splice site analysis predicts that this alteration will result in the creation or strengthening of a novel splice donor site. RNA assay has demonstrated the creation of a novel splice donor site causing a frameshift and premature protein truncation (Yelskaya Z et al. PLoS ONE 2016 Nov;11(11):e0165654; Pena-Couso L et al. Eur. J. Hum. Genet. 2018 09;26(9):1348-1353; Ambry internal data). Based on the supporting evidence, this alteration is interpreted as a disease-causing mutation.

Baylor Genetics
Classification: Pathogenic for Familial cancer of breast. Last evaluated: 2023-09-20. Review status: criteria provided, single submitter. Criteria: ACMG Guidelines, 2015. Collection method: clinical testing. Allele origin: unknown. Not counted in ClinVar's aggregate classification.

Quest Diagnostics Nichols Institute San Juan Capistrano
Classification: Pathogenic. Last evaluated: 2023-06-16. Review status: criteria provided, single submitter. Criteria: Quest Diagnostics criteria. Collection method: clinical testing. Allele origin: unknown. Not counted in ClinVar's aggregate classification.
Comment: The CDH1 c.1679C>G (p.Thr560Arg) variant activates a cryptic splice donor site and has been shown in the published literature to cause aberrant mRNA splicing and the production of a truncated CDH1 transcript (PMID: 27880784 (2016)). Further experimental studies showed this variant has deleterious effects on CDH1 protein function (PMID: 29769627 (2018)). This variant has been reported in multiple individuals with diffused gastric cancer and lobular breast cancer (PMIDs: 36436516 (2022), 34949788 (2022), 29769627 (2018), 23709761 (2013)), and segregated with disease in at least two families with HDGC (PMIDs: 33268956 (2020), 27880784 (2016)). This variant has not been reported in large, multi-ethnic general populations (Genome Aggregation Database). Based on the available information, this variant is classified as pathogenic.

Myriad Genetics, Inc.
Classification: Likely pathogenic for Hereditary diffuse gastric adenocarcinoma. Last evaluated: 2023-06-14. Review status: criteria provided, single submitter. Criteria: Myriad Autosomal Dominant, Autosomal Recessive and X-Linked Classification Criteria (2023). Collection method: clinical testing. Allele origin: unknown. Not counted in ClinVar's aggregate classification.
Comment: This variant is considered likely pathogenic. mRNA analysis has demonstrated abnormal mRNA splicing occurs [PMID: 27880784]. This variant has been reported in multiple individuals with clinical features of gene-specific disease [PMID: 23709761, 26182300, 27880784].

European Reference Network on Genetic Tumour Risk Syndromes (ERN-GENTURIS), i3s - Instituto de Investigação e Inovação em Saúde, University of Porto
Classification: Pathogenic for Hereditary diffuse gastric adenocarcinoma. Last evaluated: 2022-08-01. Review status: criteria provided, single submitter. Criteria: Lee et al. (Hum Mutat. 2018). Collection method: clinical testing. Allele origin: germline. Inheritance: Autosomal dominant inheritance. Affected: yes. Study: ERN GENTURIS. Not counted in ClinVar's aggregate classification.
Comment: PS3; PS4; PM2; PP1_Strong; PP3 (PMID: 30311375)

GeneDx
Classification: Uncertain significance. Last evaluated: 2015-10-14. Review status: criteria provided, single submitter. Criteria: GeneDx Variant Classification (06012015). Collection method: clinical testing. Allele origin: germline. Affected: yes. Not counted in ClinVar's aggregate classification.
Comment: This variant was observed in at least one individual diagnosed with early-onset diffuse gastric cancer (Benusiglio 2013). CDH1 Thr560Arg was not observed in approximately 6,500 individuals of European and African American ancestry in the NHLBI Exome Sequencing Project, indicating it is not a common benign variant in these populations. Since Threonine and Arginine differ in some properties, this is considered a semi-conservative amino acid substitution. CDH1 Thr560Arg occurs at a position that is conserved in mammals and is located in the Cadherin 4 domain (UniProt). In silico analyses predict that this variant is probably damaging to protein structure and function. Based on currently available evidence, it is unclear whether CDH1 Thr560Arg is pathogenic or benign. We consider it to be a variant of uncertain significance.

BRCAlab, Lund University
Classification: Pathogenic for Hereditary cancer-predisposing syndrome. Last evaluated: 2022-08-26. Review status: no assertion criteria provided. Collection method: clinical testing. Allele origin: germline. Affected: yes. Not counted in ClinVar's aggregate classification.

Laboratory for Genotyping Development, RIKEN
Classification: Pathogenic for Gastric cancer. Last evaluated: 2021-07-01. Review status: no assertion criteria provided. Collection method: research. Allele origin: germline. Not counted in ClinVar's aggregate classification.

Familial Cancer Clinical Unit, Spanish National Cancer Research Centre (CNIO)
Classification: Pathogenic for Hereditary diffuse gastric adenocarcinoma. Review status: no assertion criteria provided. Collection method: clinical testing, in vitro. Allele origin: germline, not applicable. Inheritance: Autosomal dominant inheritance. Affected: yes. Observed: 7 variant alleles, 7 heterozygotes. Clinical features observed: Gastric cancer. Not counted in ClinVar's aggregate classification.

Literature cited by the submitters: PubMed 27880784 (cited by 6 submitters); PubMed 29769627 (cited by 4 submitters); PubMed 23709761 (cited by 5 submitters); PubMed 30745422 (cited by Labcorp Genetics (formerly Invitae), Labcorp and Quest Diagnostics Nichols Institute San Juan Capistrano); PubMed 33471991 (cited by Quest Diagnostics Nichols Institute San Juan Capistrano); PubMed 36436516 (cited by Quest Diagnostics Nichols Institute San Juan Capistrano and European Reference Network on Genetic Tumour Risk Syndromes (ERN-GENTURIS), i3s - Instituto de Investigação e Inovação em Saúde, University of Porto); PubMed 34949788 (cited by Quest Diagnostics Nichols Institute San Juan Capistrano); PubMed 33268956 (cited by Quest Diagnostics Nichols Institute San Juan Capistrano); PubMed 26182300 (cited by Myriad Genetics, Inc.); PubMed 36988593 (cited by Laboratory for Genotyping Development, RIKEN).

NM_004360.5(CDH1):c.1679C>G (p.Thr560Arg)

Gene: CDH1 (cadherin 1; plus strand). Cytogenetic location: 16q22.1.
Variant type: single nucleotide variant.
Coding change: c.1679C>G on transcript NM_004360.5 (MANE Select); coding-DNA position 1679, C replaced by G.
Protein change: p.Thr560Arg; replaces threonine 560 with arginine.
Molecular consequence: missense variant. On other transcripts: intron variant (1).
Genome position (GRCh38, 1-based): chr16:68,819,393, C>G. VCF-style: chr16-68819393-C-G. GRCh37 (hg19) VCF-style: chr16-68853296-C-G.
Other names: NM_004360.4(CDH1):c.1679C>G; c.1496C>G, p.Thr499Arg (NM_001317184.2); c.131C>G, p.Thr44Arg (NM_001317185.2); c.-254-2608C>G (NM_001317186.2); c.1679C>G (LRG_301t1); short protein forms T560R, T499R, T44R.
Identifiers: ClinVar variation 234554 (VCV000234554.46), dbSNP rs746481984, ClinGen allele CA10577547.